The following is an entry in ClinVar:

ClinVar aggregate classification (germline): Uncertain significance (1 of 4 stars; one submission).

Conditions:
NCOA1-related disorder. Also called: NCOA1-related condition.

gnomAD v4.1: 2 of 1,614,170 alleles (0.00012%); highest among the groups gnomAD compares: Non-Finnish European, 0.00017%; no homozygotes.

Submission:

PreventionGenetics, part of Exact Sciences
Classification: Uncertain significance for NCOA1-related condition. Last evaluated: 2025-09-02. Review status: criteria provided, single submitter. Criteria: ACMG Guidelines, 2015. Collection method: clinical testing. Allele origin: germline.
Comment: The NCOA1 c.1330T>C variant is predicted to result in the amino acid substitution p.Ser444Pro. To our knowledge, this variant has not been reported in the literature or in a large population database (gnomAD), indicating this variant is rare. At this time, the clinical significance of this variant is uncertain due to the absence of conclusive functional and genetic evidence.

NM_003743.5(NCOA1):c.1330T>C (p.Ser444Pro)

Gene: NCOA1 (nuclear receptor coactivator 1; plus strand). Cytogenetic location: 2p23.3.
Variant type: single nucleotide variant.
Coding change: c.1330T>C on transcript NM_003743.5 (MANE Select); coding-DNA position 1330, T replaced by C.
Protein change: p.Ser444Pro; replaces serine 444 with proline.
Molecular consequence: missense variant.
Genome position (GRCh38, 1-based): chr2:24,706,800, T>C. VCF-style: chr2-24706800-T-C. GRCh37 (hg19) VCF-style: chr2-24929669-T-C.
Other names: c.1330T>C, p.Ser444Pro (NM_001362950.1, NM_001362952.1, NM_001362954.1 and 3 more transcripts); short protein forms S444P.
Identifiers: ClinVar variation 4992288 (VCV004992288.1).